The following continues an entry in ClinVar:

NM_000059.4(BRCA2):c.8215G>A (p.Val2739Ile)

Gene: BRCA2. ClinVar aggregate classification (germline): Conflicting classifications of pathogenicity. Uncertain significance (4); Benign (2); Likely benign (10).

Submissions 18 to 22 of 22:

Sharing Clinical Reports Project (SCRP)
Classification: Uncertain significance for Breast-ovarian cancer, familial 2. Last evaluated: 2012-01-13. Review status: no assertion criteria provided. Collection method: clinical testing. Allele origin: germline. Not counted in ClinVar's aggregate classification.

Breast Cancer Information Core (BIC) (BRCA2)
Classification: Uncertain significance for Breast-ovarian cancer, familial 2. Last evaluated: 2002-05-29. Review status: no assertion criteria provided. Collection method: clinical testing. Allele origin: germline. Affected: yes. Observed: 6 variant alleles. Not counted in ClinVar's aggregate classification.

Clinical Genetics Laboratory, Department of Pathology, Netherlands Cancer Institute
Classification: Likely benign. Review status: no assertion criteria provided. Collection method: clinical testing. Allele origin: germline. Affected: yes. Study: VKGL Data-share Consensus. Not counted in ClinVar's aggregate classification.

Department of Pathology and Laboratory Medicine, Sinai Health System
Classification: Likely benign for Malignant tumor of breast. Review status: no assertion criteria provided. Collection method: clinical testing. Allele origin: unknown. Affected: yes. Study: The Canadian Open Genetics Repository (COGR). Not counted in ClinVar's aggregate classification.
Comment: The BRCA2 p.Val2739Ile variant was identified in 10 of 3474 proband chromosomes (frequency: 0.003) from Australian, Polish, German and Hawaiian individuals or families with triple negative breast cancer or HBOC (Wong-Brown 2015 25682074, Lai 2015, Hondow 2011 21702907, Carney 2010 21218378, Trujillano 2015 25556971, Bosdet 2013 24094589). In a computational method that produces a probabilistic likelihood ratio predictive of impaired protein function, the variant was found to be neutral consistent with previously reported functional data related to homology directed repair (Karchin 2008). The variant was also identified in dbSNP (ID: rs80359069) â€šÃ„ÃºWith Likely benign, Uncertain significance, other alleleâ€šÃ„Ã¹, ClinVar (classified benign by Invitae, likely benign by Ambry Genetics, GeneDx, Quest Diagnostics Nichols Institute San Juan Capistrano, and uncertain significance by Laboratory Corporation of America, SCRP and BIC), Clinvitae (5x), LOVD 3.0 (10x as predicted neutral and unknown function), UMD-LSDB (13x unclassified), BIC Database (6x unknown clinical importance, classification pending), and was not identified in Cosmic, MutDB, ARUP Laboratories, or the Zhejiang Colon Cancer Database. The variant was identified in control databases in 2 of 244404 chromosomes at a frequency of 0.000008 (Genome Aggregation Database Feb 27, 2017), in the East Asian population in 2 of 17246 chromosomes (freq: 0.0001), while not observed in the African, Other, Latino, European Non-Finnish, Ashkenazi Jewish, European Finnish and South Asian populations. The p.Val2739 residue is not conserved in mammals and computational analyses (PolyPhen-2, SIFT, AlignGVGD, BLOSUM, MutationTaster) do not suggest a high likelihood of the p.Val2739Ile variant impacting the protein; however, this information is not predictive enough to rule out pathogenicity. The variant occurs outside of the splicing consensus sequence and in silico or computational prediction software programs (SpliceSiteFinder, MaxEntScan, NNSPLICE, GeneSplicer, HumanSpliceFinder) do not predict a difference in splicing. In summary, based on the above information the clinical significance of this variant cannot be determined with certainty at this time although we would lean towards a more benign role for this variant. This variant is classified as likely benign.

Joint Genome Diagnostic Labs from Nijmegen and Maastricht, Radboudumc and MUMC+
Classification: Likely benign. Review status: no assertion criteria provided. Collection method: clinical testing. Allele origin: germline. Affected: yes. Study: VKGL Data-share Consensus. Not counted in ClinVar's aggregate classification.

Literature cited by the submitters: PubMed 21218378 (cited by 6 submitters); PubMed 25186627 (cited by 3 submitters); PubMed 25556971 (cited by 7 submitters); PubMed 25682074 (cited by 4 submitters); PubMed 33471991 (cited by Sema4); PubMed 19043619 (cited by 4 submitters); PubMed 33293522 (cited by Sema4 and Women's Health and Genetics/Laboratory Corporation of America, LabCorp); PubMed 21702907 (cited by Women's Health and Genetics/Laboratory Corporation of America, LabCorp and Counsyl); PubMed 24094589 (cited by Women's Health and Genetics/Laboratory Corporation of America, LabCorp and Counsyl); PubMed 25348012 (cited by Women's Health and Genetics/Laboratory Corporation of America, LabCorp); PubMed 26580448 (cited by Women's Health and Genetics/Laboratory Corporation of America, LabCorp and Quest Diagnostics Nichols Institute San Juan Capistrano).